The following is an entry in ClinVar:

ClinVar aggregate classification (germline): Uncertain significance (1 of 4 stars; one submission).

Conditions:
Hereditary pancreatitis (PCTT). Also called: Hereditary chronic pancreatitis; PRSS1-Related Hereditary Pancreatitis. Identifiers: Orphanet 676, MedGen C0238339, MONDO:0008185, OMIM 167800.

Submission:

Ambry Genetics
Classification: Uncertain significance for Hereditary pancreatitis. Last evaluated: 2024-09-05. Review status: criteria provided, single submitter. Criteria: Ambry Variant Classification Scheme 2023. Collection method: clinical testing. Allele origin: germline.
Comment: The p.E144G variant (also known as c.431A>G), located in coding exon 5 of the CTRC gene, results from an A to G substitution at nucleotide position 431. The glutamic acid at codon 144 is replaced by glycine, an amino acid with similar properties. This amino acid position is conserved. In addition, this alteration is predicted to be tolerated by in silico analysis. Based on the available evidence, the clinical significance of this variant remains unclear.

NM_007272.3(CTRC):c.431A>G (p.Glu144Gly)

Gene: CTRC (chymotrypsin C; plus strand). Cytogenetic location: 1p36.21.
Variant type: single nucleotide variant.
Coding change: c.431A>G on transcript NM_007272.3 (MANE Select); coding-DNA position 431, A replaced by G.
Protein change: p.Glu144Gly; replaces glutamic acid 144 with glycine.
Molecular consequence: missense variant.
Genome position (GRCh38, 1-based): chr1:15,443,493, A>G. VCF-style: chr1-15443493-A-G. GRCh37 (hg19) VCF-style: chr1-15769988-A-G.
Other names: short protein forms E144G.
Identifiers: ClinVar variation 3498403 (VCV003498403.1).